The following is an entry in ClinVar:

NM_017901.6(TPCN1):c.2191C>T (p.Arg731Trp)

Gene: TPCN1 (two pore segment channel 1; plus strand). Cytogenetic location: 12q24.13.
Variant type: single nucleotide variant.
Coding change: c.2191C>T on transcript NM_017901.6 (MANE Select); coding-DNA position 2191, C replaced by T.
Protein change: p.Arg731Trp; replaces arginine 731 with tryptophan.
Molecular consequence: missense variant.
Genome position (GRCh38, 1-based): chr12:113,293,011, C>T. VCF-style: chr12-113293011-C-T. GRCh37 (hg19) VCF-style: chr12-113730816-C-T.
Other names: c.2407C>T, p.Arg803Trp (NM_001143819.3); c.1987C>T, p.Arg663Trp (NM_001301214.2, NM_001351346.2, NM_001351347.1); short protein forms R663W, R803W, R731W.
Identifiers: ClinVar variation 782783 (VCV000782783.28), dbSNP rs144613390, ClinGen allele CA6805730.

ClinVar aggregate classification (germline): Benign. Review status: criteria provided, multiple submitters, no conflicts (2 of 4 stars). 3 submissions from 3 submitters: Benign (3). Last evaluated 2022-09-01.

Allele frequency attached by ClinVar (database versions not stated): TOPMed 0.00405; ESP Exome Variant Server 0.00438; 1000 Genomes Project 30x 0.00453; 1000 Genomes Project 0.00479; gnomAD 0.00675; gnomAD exomes 0.00809; ExAC 0.00831.
gnomAD v4.1: 9,991 of 1,613,198 alleles (0.62%); highest among the groups gnomAD compares: Middle Eastern, 0.58%; 96 homozygotes.

Submissions (3):

CeGaT Center for Human Genetics Tuebingen
Classification: Benign. Last evaluated: 2022-09-01. Review status: criteria provided, single submitter. Criteria: CeGaT Center For Human Genetics Tuebingen Variant Classification Criteria Version 2. Collection method: clinical testing. Allele origin: germline. Affected: yes. Observed: 1 variant allele.
Comment: TPCN1: BP4, BS1, BS2

Labcorp Genetics (formerly Invitae), Labcorp
Classification: Benign. Last evaluated: 2017-08-08. Review status: criteria provided, single submitter. Criteria: Invitae Variant Classification Sherloc (09022015). Collection method: clinical testing. Allele origin: germline.

Breakthrough Genomics
Classification: Benign. Review status: criteria provided, single submitter. Criteria: ACMG Guidelines, 2015. Collection method: not provided. Allele origin: germline. Inheritance: Unknown mechanism. Affected: yes.